The following is an entry in ClinVar:

ClinVar aggregate classification (germline): Likely benign (1 of 4 stars; one submission).

gnomAD v4.1: 256 of 1,561,966 alleles (0.016%); highest among the groups gnomAD compares: African/African-American, 0.25%; 1 homozygote.

Submission:

CeGaT Center for Human Genetics Tuebingen
Classification: Likely benign. Last evaluated: 2026-02-01. Review status: criteria provided, single submitter. Criteria: CeGaT Center For Human Genetics Tuebingen Variant Classification Criteria Version 2. Collection method: clinical testing. Allele origin: germline. Affected: yes. Observed: 2 variant alleles.
Comment: ZNF462: BP4, BS1

NM_021224.6(ZNF462):c.6013-117G>A

Gene: ZNF462 (zinc finger protein 462; plus strand). Cytogenetic location: 9q31.2.
Variant type: single nucleotide variant.
Coding change: c.6013-117G>A on transcript NM_021224.6 (MANE Select); 117 bases into the intron before coding-DNA position 6013, G replaced by A.
Molecular consequence: intron variant.
Genome position (GRCh38, 1-based): chr9:106,932,329, G>A. VCF-style: chr9-106932329-G-A. GRCh37 (hg19) VCF-style: chr9-109694610-G-A.
Other names: c.3418-117G>A (NM_001347997.2).
Identifiers: ClinVar variation 3905012 (VCV003905012.10).